The following is an entry in ClinVar:

ClinVar aggregate classification (germline): Pathogenic (1 of 4 stars; one submission).

Submission:

Clinical Genomics Laboratory, Laboratory for Precision Diagnostics, University of Washington
Classification: Pathogenic. Last evaluated: 2026-02-04. Review status: criteria provided, single submitter. Criteria: ACMG/ClinGen CNV Guidelines, 2019. Collection method: clinical testing. Allele origin: unknown. Affected: yes. Observed: 1 variant allele.
Comment: This interstitial deletion of 11p11.2 deletion is approximately 6 kb in size and encompasses exons 13-23 of MYBPC3 (NM_000256.3 OMIM 600958). A deletion of multiple coding exons probably causes a loss of function of this copy of MYBPC3. Heterozygous loss-of-function variants of MYPBC3 cause abnormalities of cardiac function: left ventricular noncompaction-10 (OMIM 615396), non-syndromic dilated cardiomyopathy-1MM (OMIM 615396) and familial hypertrophic cardiomyopathy-4 (OMIM 115197). Familial hypertrophic cardiomyopathy-4 can also occur due to bi-allelic pathogenic variants in MYBPC3. Variable expression and reduced penetrance are features of these conditions.

GRCh38/hg38 11p11.2(chr11:47338518-47344560)x1

Gene: MYBPC3 (myosin binding protein C3; minus strand). Cytogenetic location: 11p11.2.
Variant type: copy number loss.
Change: copy number 1 (one copy instead of two) of chr11:47,338,518-47,344,560 (6.0 kb, GRCh38 coordinates, 1-based), cytogenetic band 11p11.2.
Identifiers: ClinVar variation 5038325 (VCV005038325.1).